The following is an entry in ClinVar:

NM_018834.6(MATR3):c.687G>T (p.Arg229Ser)

Gene: MATR3 (matrin 3; plus strand). Cytogenetic location: 5q31.2.
Variant type: single nucleotide variant.
Coding change: c.687G>T on transcript NM_018834.6 (MANE Select); coding-DNA position 687, G replaced by T.
Protein change: p.Arg229Ser; replaces arginine 229 with serine.
Molecular consequence: missense variant. On other transcripts: intron variant (11).
Genome position (GRCh38, 1-based): chr5:139,308,102, G>T. VCF-style: chr5-139308102-G-T. GRCh37 (hg19) VCF-style: chr5-138643791-G-T.
Other names: c.687G>T, p.Arg229Ser (NM_001194954.2, NM_001194955.2, NM_001400441.1 and 16 more transcripts); c.52-6573G>T (NM_001400459.1); c.-102-6573G>T (NM_001400463.1, NM_001400460.1, NM_001282278.2 and 3 more transcripts); c.-40-7595G>T (NM_001400462.1, NM_001400467.1); c.13-6573G>T (NM_001400461.1); c.49-6573G>T (NM_001194956.2); short protein forms R229S.
Identifiers: ClinVar variation 2870932 (VCV002870932.3), dbSNP rs764544169, ClinGen allele CA3432930.

ClinVar aggregate classification (germline): Uncertain significance (1 of 4 stars; one submission).

Conditions:
Amyotrophic lateral sclerosis type 21. Also called: VOCAL CORD AND PHARYNGEAL DYSFUNCTION WITH DISTAL MYOPATHY; MYOPATHY, DISTAL, 2. Identifiers: Orphanet 600, Orphanet 803, MedGen C3807521, MONDO:0011632, OMIM 606070.

Allele frequency attached by ClinVar (database versions not stated): gnomAD exomes below 0.00001; TOPMed below 0.00001; ExAC 0.00001; gnomAD 0.00001.
gnomAD v4.1: 3 of 1,613,970 alleles (0.00019%); highest among the groups gnomAD compares: Non-Finnish European, 0.00025%; no homozygotes.

Submission:

Labcorp Genetics (formerly Invitae), Labcorp
Classification: Uncertain significance for Amyotrophic lateral sclerosis type 21. Last evaluated: 2024-11-13. Review status: criteria provided, single submitter. Criteria: Invitae Variant Classification Sherloc (09022015). Collection method: clinical testing. Allele origin: germline.
Comment: This sequence change replaces arginine, which is basic and polar, with serine, which is neutral and polar, at codon 229 of the MATR3 protein (p.Arg229Ser). This variant is present in population databases (rs764544169, gnomAD 0.0009%). This variant has not been reported in the literature in individuals affected with MATR3-related conditions. ClinVar contains an entry for this variant (Variation ID: 2870932). Invitae Evidence Modeling of protein sequence and biophysical properties (such as structural, functional, and spatial information, amino acid conservation, physicochemical variation, residue mobility, and thermodynamic stability) indicates that this missense variant is not expected to disrupt MATR3 protein function with a negative predictive value of 80%. In summary, the available evidence is currently insufficient to determine the role of this variant in disease. Therefore, it has been classified as a Variant of Uncertain Significance.